The following is an entry in ClinVar:

NM_002439.5(MSH3):c.358+4A>G

Gene: MSH3 (mutS homolog 3; plus strand). Cytogenetic location: 5q14.1.
Variant type: single nucleotide variant.
Coding change: c.358+4A>G on transcript NM_002439.5 (MANE Select); 4 bases into the intron after coding-DNA position 358, A replaced by G.
Molecular consequence: intron variant.
Genome position (GRCh38, 1-based): chr5:80,656,535, A>G. VCF-style: chr5-80656535-A-G. GRCh37 (hg19) VCF-style: chr5-79952354-A-G.
Identifiers: ClinVar variation 1500803 (VCV001500803.6), dbSNP rs1749294111, ClinGen allele CA1077976779.

ClinVar aggregate classification (germline): Uncertain significance (1 of 4 stars; one submission).

Allele frequency attached by ClinVar (database versions not stated): gnomAD 0.00001.
gnomAD v4.1: 1 of 1,613,988 alleles (0.000062%); highest among the groups gnomAD compares: African/African-American, 0.0013%; no homozygotes.

Submission:

Labcorp Genetics (formerly Invitae), Labcorp
Classification: Uncertain significance. Last evaluated: 2021-01-07. Review status: criteria provided, single submitter. Criteria: Invitae Variant Classification Sherloc (09022015). Collection method: clinical testing. Allele origin: germline.
Comment: This sequence change falls in intron 2 of the MSH3 gene. It does not directly change the encoded amino acid sequence of the MSH3 protein. It affects a nucleotide within the consensus splice site of the intron. This variant is not present in population databases (ExAC no frequency). This variant has not been reported in the literature in individuals with MSH3-related conditions. Nucleotide substitutions within the consensus splice site are a relatively common cause of aberrant splicing (PMID: 17576681, 9536098). Algorithms developed to predict the effect of sequence changes on RNA splicing suggest that this variant may disrupt the consensus splice site, but this prediction has not been confirmed by published transcriptional studies. In summary, the available evidence is currently insufficient to determine the role of this variant in disease. Therefore, it has been classified as a Variant of Uncertain Significance.

Literature cited by the submitters: PubMed 17576681; PubMed 9536098.